The following is an entry in ClinVar:

NM_001184.4(ATR):c.482G>T (p.Arg161Ile)

Gene: ATR (ATR checkpoint kinase; minus strand). Cytogenetic location: 3q23.
Variant type: single nucleotide variant.
Coding change: c.482G>T on transcript NM_001184.4 (MANE Select); coding-DNA position 482, G replaced by T.
Protein change: p.Arg161Ile; replaces arginine 161 with isoleucine.
Molecular consequence: missense variant.
Genome position (GRCh38, 1-based): chr3:142,562,920, C>A on the plus strand (G>T on the coding strand, the complement: ATR is on the minus strand). VCF-style: chr3-142562920-C-A. GRCh37 (hg19) VCF-style: chr3-142281762-C-A.
Other names: c.482G>T, p.Arg161Ile (NM_001354579.2); short protein forms R161I.
Identifiers: ClinVar variation 3221187 (VCV003221187.1), dbSNP rs2473429370, ClinGen allele CA354826793.

ClinVar aggregate classification (germline): Uncertain significance (1 of 4 stars; one submission).

Conditions:
Inborn genetic diseases. Identifiers: MedGen C0950123, MeSH D030342.

Submission:

Ambry Genetics
Classification: Uncertain significance for Inborn genetic diseases. Last evaluated: 2024-01-15. Review status: criteria provided, single submitter. Criteria: Ambry Variant Classification Scheme 2023. Collection method: clinical testing. Allele origin: germline.
Comment: The p.R161I variant (also known as c.482G>T), located in coding exon 4 of the ATR gene, results from a G to T substitution at nucleotide position 482. The arginine at codon 161 is replaced by isoleucine, an amino acid with similar properties. This amino acid position is conserved. In addition, this alteration is predicted to be tolerated by in silico analysis. Since supporting evidence is limited at this time, the clinical significance of this alteration remains unclear.